The following is an entry in ClinVar:

NM_001130438.3(SPTAN1):c.5379C>T (p.Gly1793=)

Gene: SPTAN1 (spectrin alpha, non-erythrocytic 1; plus strand). Cytogenetic location: 9q34.11.
Variant type: single nucleotide variant.
Coding change: c.5379C>T on transcript NM_001130438.3 (MANE Select); coding-DNA position 5379, C replaced by T.
Protein change: p.Gly1793=; no amino-acid change (glycine 1793 retained).
Molecular consequence: synonymous variant.
Genome position (GRCh38, 1-based): chr9:128,617,661, C>T. VCF-style: chr9-128617661-C-T. GRCh37 (hg19) VCF-style: chr9-131379940-C-T.
Other names: c.5304C>T, p.Gly1768= (NM_001195532.2); c.5379C>T, p.Gly1793= (NM_001363759.2); c.5319C>T, p.Gly1773= (NM_001363765.2); c.5364C>T, p.Gly1788= (NM_003127.4).
Identifiers: ClinVar variation 511877 (VCV000511877.1), dbSNP rs1554763002, ClinGen allele CA467303752.

ClinVar aggregate classification (germline): Likely benign (1 of 4 stars; one submission).

Submission:

GeneDx
Classification: Likely benign. Last evaluated: 2017-09-07. Review status: criteria provided, single submitter. Criteria: GeneDx Variant Classification (06012015). Collection method: clinical testing. Allele origin: germline. Affected: yes.
Comment: This variant is considered likely benign or benign based on one or more of the following criteria: it is a conservative change, it occurs at a poorly conserved position in the protein, it is predicted to be benign by multiple in silico algorithms, and/or has population frequency not consistent with disease.